The following is an entry in ClinVar:

ClinVar aggregate classification (germline): Uncertain significance. Review status: criteria provided, multiple submitters, no conflicts (2 of 4 stars). 2 submissions from 2 submitters: Uncertain significance (2). Last evaluated 2026-01-08.

Conditions:
Hereditary cancer-predisposing syndrome. Also called: Hereditary neoplastic syndrome; Tumor predisposition; Hereditary Cancer Syndrome; Neoplastic Syndromes, Hereditary. Identifiers: Orphanet 140162, MedGen C0027672, MeSH D009386, MONDO:0015356.
Gastrointestinal stromal tumor. Also called: Gastrointestinal stroma tumor; Gastrointestinal stromal tumor, somatic. Identifiers: Orphanet 44890, MedGen C0238198, MeSH D046152, MONDO:0011719, OMIM 606764, HP:0100723.

Allele frequency attached by ClinVar (database versions not stated): gnomAD exomes below 0.00001; gnomAD 0.00001.

Submissions (2):

Ambry Genetics
Classification: Uncertain significance for Hereditary cancer-predisposing syndrome. Last evaluated: 2026-01-08. Review status: criteria provided, single submitter. Criteria: Ambry Variant Classification Scheme 2023. Collection method: clinical testing. Allele origin: germline.
Comment: The p.E111G variant (also known as c.332A>G), located in coding exon 2 of the PDGFRA gene, results from an A to G substitution at nucleotide position 332. The glutamic acid at codon 111 is replaced by glycine, an amino acid with similar properties. This amino acid position is well conserved in available vertebrate species. In addition, the in silico prediction for this alteration is inconclusive. Based on the available evidence, the clinical significance of this variant remains unclear.

Labcorp Genetics (formerly Invitae), Labcorp
Classification: Uncertain significance for Gastrointestinal stromal tumor. Last evaluated: 2024-09-12. Review status: criteria provided, single submitter. Criteria: Invitae Variant Classification Sherloc (09022015). Collection method: clinical testing. Allele origin: germline.
Comment: This sequence change replaces glutamic acid, which is acidic and polar, with glycine, which is neutral and non-polar, at codon 111 of the PDGFRA protein (p.Glu111Gly). This variant is present in population databases (no rsID available, gnomAD 0.002%). This variant has not been reported in the literature in individuals affected with PDGFRA-related conditions. ClinVar contains an entry for this variant (Variation ID: 1442916). Invitae Evidence Modeling of protein sequence and biophysical properties (such as structural, functional, and spatial information, amino acid conservation, physicochemical variation, residue mobility, and thermodynamic stability) indicates that this missense variant is not expected to disrupt PDGFRA protein function with a negative predictive value of 80%. In summary, the available evidence is currently insufficient to determine the role of this variant in disease. Therefore, it has been classified as a Variant of Uncertain Significance.

NM_006206.6(PDGFRA):c.332A>G (p.Glu111Gly)

Gene: PDGFRA (platelet derived growth factor receptor alpha; plus strand). Cytogenetic location: 4q12.
Variant type: single nucleotide variant.
Coding change: c.332A>G on transcript NM_006206.6 (MANE Select); coding-DNA position 332, A replaced by G.
Protein change: p.Glu111Gly; replaces glutamic acid 111 with glycine.
Molecular consequence: missense variant.
Genome position (GRCh38, 1-based): chr4:54,261,377, A>G. VCF-style: chr4-54261377-A-G. GRCh37 (hg19) VCF-style: chr4-55127544-A-G.
Other names: c.332A>G, p.Glu111Gly (NM_001347827.2, NM_001347829.2); c.407A>G, p.Glu136Gly (NM_001347828.2); c.371A>G, p.Glu124Gly (NM_001347830.2); c.332A>G (NM_006206.4); short protein forms E111G, E124G, E136G.
Identifiers: ClinVar variation 1442916 (VCV001442916.9), dbSNP rs1255071376, ClinGen allele CA356888990.